The following is an entry in ClinVar:

ClinVar aggregate classification (germline): Uncertain significance. Review status: criteria provided, multiple submitters, no conflicts (2 of 4 stars). 2 submissions from 2 submitters: Uncertain significance (2). Last evaluated 2025-12-22.

Conditions:
ITGA2B-related disorder. Also called: ITGA2B-related disorders; ITGA2B-related condition.

Allele frequency attached by ClinVar (database versions not stated): gnomAD exomes below 0.00001 and 0.00003.
gnomAD v4.1: 20 of 1,614,048 alleles (0.0012%); highest among the groups gnomAD compares: Middle Eastern, 0.33%; 1 homozygote.

Submissions (2):

PreventionGenetics, part of Exact Sciences
Classification: Uncertain significance for ITGA2B-related condition. Last evaluated: 2025-12-22. Review status: criteria provided, single submitter. Criteria: ACMG Guidelines, 2015. Collection method: clinical testing. Allele origin: germline.
Comment: The ITGA2B c.2705G>A variant is predicted to result in the amino acid substitution p.Arg902Lys. To our knowledge, this variant has not been reported in the literature. This variant is reported in 0.0054% of alleles in individuals of East Asian descent in gnomAD. At this time, the clinical significance of this variant is uncertain due to the absence of conclusive functional and genetic evidence.

GeneDx
Classification: Uncertain significance. Last evaluated: 2020-10-13. Review status: criteria provided, single submitter. Criteria: GeneDx Variant Classification Process June 2021. Collection method: clinical testing. Allele origin: germline. Affected: yes.
Comment: In silico analysis supports that this missense variant does not alter protein structure/function; Has not been previously published as pathogenic or benign to our knowledge

NM_000419.5(ITGA2B):c.2705G>A (p.Arg902Lys)

Gene: ITGA2B (integrin subunit alpha 2b; minus strand). Cytogenetic location: 17q21.31.
Variant type: single nucleotide variant.
Coding change: c.2705G>A on transcript NM_000419.5 (MANE Select); coding-DNA position 2705, G replaced by A.
Protein change: p.Arg902Lys; replaces arginine 902 with lysine.
Molecular consequence: missense variant.
Genome position (GRCh38, 1-based): chr17:44,375,613, C>T on the plus strand (G>A on the coding strand, the complement: ITGA2B is on the minus strand). VCF-style: chr17-44375613-C-T. GRCh37 (hg19) VCF-style: chr17-42452981-C-T.
Other names: c.2705G>A (NM_000419.4); short protein forms R902K.
Identifiers: ClinVar variation 1302939 (VCV001302939.3), dbSNP rs867187272, ClinGen allele CA290946943.